The following is an entry in ClinVar:

NM_001040108.2(MLH3):c.1189A>G (p.Ile397Val)

Gene: MLH3 (mutL homolog 3; minus strand). Cytogenetic location: 14q24.3.
Variant type: single nucleotide variant.
Coding change: c.1189A>G on transcript NM_001040108.2 (MANE Select); coding-DNA position 1189, A replaced by G.
Protein change: p.Ile397Val; replaces isoleucine 397 with valine.
Molecular consequence: missense variant.
Genome position (GRCh38, 1-based): chr14:75,048,467, T>C on the plus strand (A>G on the coding strand, the complement: MLH3 is on the minus strand). VCF-style: chr14-75048467-T-C. GRCh37 (hg19) VCF-style: chr14-75515170-T-C.
Other names: c.1189A>G, p.Ile397Val (NM_014381.3); short protein forms I397V.
Identifiers: ClinVar variation 5024551 (VCV005024551.1).

ClinVar aggregate classification (germline): Uncertain significance (1 of 4 stars; one submission).

Submission:

Ambry Genetics
Classification: Uncertain significance. Last evaluated: 2026-06-16. Review status: criteria provided, single submitter. Criteria: Ambry Variant Classification Scheme 2023. Collection method: clinical testing. Allele origin: germline.
Comment: The p.I397V variant (also known as c.1189A>G), located in coding exon 1 of the MLH3 gene, results from an A to G substitution at nucleotide position 1189. The isoleucine at codon 397 is replaced by valine, an amino acid with highly similar properties. This amino acid position is conserved. In addition, this alteration is predicted to be tolerated by in silico analysis. Based on the available evidence, the clinical significance of this variant remains unclear.